The following is an entry in ClinVar:

ClinVar aggregate classification (germline): Uncertain significance (1 of 4 stars; one submission).

Conditions:
Hypertrophic cardiomyopathy 26. Also called: Cardiomyopathy, familial hypertrophic, 26. Identifiers: Orphanet 75249, MedGen C4310749, MONDO:0014883, OMIM 617047.
Distal myopathy with posterior leg and anterior hand involvement. Also called: WILLIAMS DISTAL MYOPATHY. Identifiers: Orphanet 63273, MedGen C3279722, MONDO:0013550, OMIM 614065.
Myofibrillar myopathy 5. Also called: Filaminopathy (type); FILAMINOPATHY, AUTOSOMAL DOMINANT. Identifiers: Orphanet 171445, MedGen C1836050, MONDO:0012289, OMIM 609524.

gnomAD v4.1: 2 of 1,613,992 alleles (0.00012%); highest among the groups gnomAD compares: Admixed American, 0.0017%; no homozygotes.

Submission:

Labcorp Genetics (formerly Invitae), Labcorp
Classification: Uncertain significance for Distal myopathy with posterior leg and anterior hand involvement; Myofibrillar myopathy 5; Hypertrophic cardiomyopathy 26. Last evaluated: 2025-02-02. Review status: criteria provided, single submitter. Criteria: Invitae Variant Classification Sherloc (09022015). Collection method: clinical testing. Allele origin: germline.
Comment: This sequence change falls in intron 34 of the FLNC gene. It does not directly change the encoded amino acid sequence of the FLNC protein. It affects a nucleotide within the consensus splice site. This variant is not present in population databases (gnomAD no frequency). This variant has not been reported in the literature in individuals affected with FLNC-related conditions. Variants that disrupt the consensus splice site are a relatively common cause of aberrant splicing (PMID: 17576681, 9536098). Algorithms developed to predict the effect of sequence changes on RNA splicing suggest that this variant is not likely to affect RNA splicing. In summary, the available evidence is currently insufficient to determine the role of this variant in disease. Therefore, it has been classified as a Variant of Uncertain Significance.

Literature cited by the submitters: PubMed 17576681; PubMed 9536098.

NM_001458.5(FLNC):c.5669-3C>T

Genes: FLNC (filamin C; plus strand), FLNC-AS1 (FLNC antisense RNA 1; minus strand). Cytogenetic location: 7q32.1.
Variant type: single nucleotide variant.
Coding change: c.5669-3C>T on transcript NM_001458.5 (MANE Select); 3 bases into the intron before coding-DNA position 5669, C replaced by T.
Molecular consequence: intron variant. On other transcripts: non-coding transcript variant (1).
Genome position (GRCh38, 1-based): chr7:128,851,452, C>T. VCF-style: chr7-128851452-C-T. GRCh37 (hg19) VCF-style: chr7-128491506-C-T.
Other names: c.5570-3C>T (NM_001127487.2).
Identifiers: ClinVar variation 3762112 (VCV003762112.2).